The following is an entry in ClinVar:

ClinVar aggregate classification (germline): Benign. Review status: criteria provided, multiple submitters, no conflicts (2 of 4 stars). 3 submissions from 3 submitters: Benign (2). 1 of the submissions does not count toward it. Last evaluated 2021-07-23.

Conditions:
PTPRF-related disorder. Also called: PTPRF-related condition.

Allele frequency attached by ClinVar (database versions not stated): gnomAD exomes 0.40801 and 0.41371; TOPMed 0.41396; gnomAD 0.41982 and 0.42070; ExAC 0.41985; ESP Exome Variant Server 0.42173; 1000 Genomes Project 30x 0.44035; 1000 Genomes Project 0.44649.
gnomAD v4.1: 653,994 of 1,597,494 alleles (41%); highest among the groups gnomAD compares: East Asian, 52%; 135,026 homozygotes.

Submissions (3):

GeneDx
Classification: Benign. Last evaluated: 2021-07-23. Review status: criteria provided, single submitter. Criteria: GeneDx Variant Classification Process June 2021. Collection method: clinical testing. Allele origin: germline. Affected: yes.

Breakthrough Genomics
Classification: Benign. Review status: criteria provided, single submitter. Criteria: ACMG Guidelines, 2015. Collection method: not provided. Allele origin: germline. Inheritance: Autosomal recessive inheritance. Affected: yes.

PreventionGenetics, part of Exact Sciences
Classification: Benign for PTPRF-related condition. Last evaluated: 2019-10-16. Review status: no assertion criteria provided. Collection method: clinical testing. Allele origin: germline. Not counted in ClinVar's aggregate classification.
Comment: This variant is classified as benign based on ACMG/AMP sequence variant interpretation guidelines (Richards et al. 2015 PMID: 25741868, with internal and published modifications).

NM_002840.5(PTPRF):c.1806C>A (p.Ala602=)

Gene: PTPRF (protein tyrosine phosphatase receptor type F; plus strand). Cytogenetic location: 1p34.2.
Variant type: single nucleotide variant.
Coding change: c.1806C>A on transcript NM_002840.5 (MANE Select); coding-DNA position 1806, C replaced by A.
Protein change: p.Ala602=; no amino-acid change (alanine 602 retained).
Molecular consequence: synonymous variant.
Genome position (GRCh38, 1-based): chr1:43,592,594, C>A. VCF-style: chr1-43592594-C-A. GRCh37 (hg19) VCF-style: chr1-44058265-C-A.
Other names: c.1824C>A, p.Ala608= (NM_001329137.2); c.1836C>A, p.Ala612= (NM_001329138.2); c.1806C>A, p.Ala602= (NM_001329139.2, NM_001329140.2, NM_130440.4); c.1806C>A (NM_002840.4).
Identifiers: ClinVar variation 1304919 (VCV001304919.5), dbSNP rs3828151, ClinGen allele CA812255.